The following is an entry in ClinVar:

ClinVar aggregate classification (germline): Uncertain significance (1 of 4 stars; one submission).

Conditions:
Amyotrophic lateral sclerosis type 1 (ALS1). Also called: AMYOTROPHIC LATERAL SCLEROSIS 1, FAMILIAL. Identifiers: Orphanet 803, MedGen C1862939, MONDO:0007103, OMIM 105400.
Perry syndrome. Also called: PARKINSONISM WITH ALVEOLAR HYPOVENTILATION AND MENTAL DEPRESSION. Identifiers: Orphanet 178509, MedGen C1868594, MONDO:0008201, OMIM 168605.
Neuronopathy, distal hereditary motor, type 7B. Also called: LOWER MOTOR NEURON DISEASE, DYNACTIN TYPE; NEURONOPATHY, DISTAL HEREDITARY MOTOR, AUTOSOMAL DOMINANT 14; NEURONOPATHY, DISTAL HEREDITARY MOTOR, HARDING TYPE VIIB; NEUROPATHY, DISTAL HEREDITARY MOTOR, HARDING TYPE VIIB; NEUROPATHY, DISTAL HEREDITARY MOTOR, WITH VOCAL CORD PARALYSIS, HARDING TYPE VIIB; Distal Hereditary Motor Neuronopathy Type 7B (dHMN7B). Identifiers: Orphanet 139589, MedGen C1843315, MONDO:0011879, OMIM 607641.

Allele frequency attached by ClinVar (database versions not stated): gnomAD exomes below 0.00001 and 0.00001; ExAC 0.00001.
gnomAD v4.1: 1 of 1,613,052 alleles (0.000062%); highest among the groups gnomAD compares: East Asian, 0.0022%; no homozygotes.

Submission:

Labcorp Genetics (formerly Invitae), Labcorp
Classification: Uncertain significance for Amyotrophic lateral sclerosis type 1; Neuronopathy, distal hereditary motor, type 7B; Perry syndrome. Last evaluated: 2019-05-27. Review status: criteria provided, single submitter. Criteria: Invitae Variant Classification Sherloc (09022015). Collection method: clinical testing. Allele origin: germline.
Comment: In summary, the available evidence is currently insufficient to determine the role of this variant in disease. Therefore, it has been classified as a Variant of Uncertain Significance. Algorithms developed to predict the effect of missense changes on protein structure and function are either unavailable or do not agree on the potential impact of this missense change (SIFT: "Deleterious"; PolyPhen-2: "Benign"; Align-GVGD: "Class C65"). This variant has not been reported in the literature in individuals with DCTN1-related conditions. This variant is present in population databases (rs749776779, ExAC 0.01%). This sequence change replaces serine with alanine at codon 1098 of the DCTN1 protein (p.Ser1098Ala). The serine residue is highly conserved and there is a moderate physicochemical difference between serine and alanine.

NM_004082.5(DCTN1):c.3292T>G (p.Ser1098Ala)

Gene: DCTN1 (dynactin subunit 1; minus strand). Cytogenetic location: 2p13.1.
Variant type: single nucleotide variant.
Coding change: c.3292T>G on transcript NM_004082.5 (MANE Select); coding-DNA position 3292, T replaced by G.
Protein change: p.Ser1098Ala; replaces serine 1098 with alanine.
Molecular consequence: missense variant. On other transcripts: non-coding transcript variant (1).
Genome position (GRCh38, 1-based): chr2:74,363,347, A>C on the plus strand (T>G on the coding strand, the complement: DCTN1 is on the minus strand). VCF-style: chr2-74363347-A-C. GRCh37 (hg19) VCF-style: chr2-74590474-A-C.
Other names: c.3217T>G, p.Ser1073Ala (NM_001135040.3); c.2875T>G, p.Ser959Ala (NM_001135041.3); c.3166T>G, p.Ser1056Ala (NM_001190836.2); c.3271T>G, p.Ser1091Ala (NM_001190837.2); c.3241T>G, p.Ser1081Ala (NM_001378991.1); c.3223T>G, p.Ser1075Ala (NM_001378992.1); c.2890T>G, p.Ser964Ala (NM_023019.4); short protein forms S1091A, S1075A, S1098A, S964A, S1073A, S1081A, S959A, S1056A.
Identifiers: ClinVar variation 949227 (VCV000949227.10), dbSNP rs749776779, ClinGen allele CA1721530.